The following is an entry in ClinVar:

ClinVar aggregate classification (germline): Uncertain significance. Review status: criteria provided, multiple submitters, no conflicts (2 of 4 stars). 2 submissions from 2 submitters: Uncertain significance (2). Last evaluated 2025-02-18.

Conditions:
Inborn genetic diseases. Identifiers: MedGen C0950123, MeSH D030342.
Lymphoproliferative syndrome 1 (LPFS1). Identifiers: Orphanet 238505, Orphanet 538963, MedGen C3552634, MONDO:0013081, OMIM 613011.

Allele frequency attached by ClinVar (database versions not stated): ExAC 0.00001; gnomAD 0.00001; gnomAD exomes 0.00001 and 0.00004; TOPMed 0.00003.
gnomAD v4.1: 60 of 1,614,028 alleles (0.0037%); highest among the groups gnomAD compares: South Asian, 0.012%; no homozygotes.

Submissions (2):

Ambry Genetics
Classification: Uncertain significance for Inborn genetic diseases. Last evaluated: 2025-02-18. Review status: criteria provided, single submitter. Criteria: Ambry Variant Classification Scheme 2023. Collection method: clinical testing. Allele origin: germline.

Labcorp Genetics (formerly Invitae), Labcorp
Classification: Uncertain significance for Lymphoproliferative syndrome 1. Last evaluated: 2024-01-26. Review status: criteria provided, single submitter. Criteria: Invitae Variant Classification Sherloc (09022015). Collection method: clinical testing. Allele origin: germline.
Comment: This sequence change replaces lysine, which is basic and polar, with glutamic acid, which is acidic and polar, at codon 385 of the ITK protein (p.Lys385Glu). This variant is present in population databases (rs767083015, gnomAD 0.006%). This variant has not been reported in the literature in individuals affected with ITK-related conditions. ClinVar contains an entry for this variant (Variation ID: 579298). Advanced modeling of protein sequence and biophysical properties (such as structural, functional, and spatial information, amino acid conservation, physicochemical variation, residue mobility, and thermodynamic stability) performed at Invitae indicates that this missense variant is not expected to disrupt ITK protein function with a negative predictive value of 80%. In summary, the available evidence is currently insufficient to determine the role of this variant in disease. Therefore, it has been classified as a Variant of Uncertain Significance.

NM_005546.4(ITK):c.1153A>G (p.Lys385Glu)

Gene: ITK (IL2 inducible T cell kinase; plus strand). Cytogenetic location: 5q33.3.
Variant type: single nucleotide variant.
Coding change: c.1153A>G on transcript NM_005546.4 (MANE Select); coding-DNA position 1153, A replaced by G.
Protein change: p.Lys385Glu; replaces lysine 385 with glutamic acid.
Molecular consequence: missense variant.
Genome position (GRCh38, 1-based): chr5:157,243,715, A>G. VCF-style: chr5-157243715-A-G. GRCh37 (hg19) VCF-style: chr5-156670725-A-G.
Other names: short protein forms K385E.
Identifiers: ClinVar variation 579298 (VCV000579298.7), dbSNP rs767083015, ClinGen allele CA3533013.
Genomic context (GRCh38, chr5:157,243,715, plus strand): 5'-TTTGTGCAAGAGATTGGCAGTGGGCAATTTGGGTTGGTGCATCTGGGCTACTGGCTCAAC[A>G]AGGACAAGGTGGCTATCAAAACCATTCGGGAAGGGGCTATGTCAGAAGAGGACTTCATAG-3'
Protein context (NP_005537.3, residues 375-395): GLVHLGYWLN[Lys385Glu]DKVAIKTIRE